The following is an entry in ClinVar:

ClinVar aggregate classification (germline): Uncertain significance (1 of 4 stars; one submission).

Conditions:
Immunodeficiency, common variable, 2 (CVID2). Also called: HYPOGAMMAGLOBULINEMIA DUE TO TACI DEFICIENCY; ANTIBODY DEFICIENCY DUE TO TACI DEFECT. Identifiers: Orphanet 1572, MedGen C3150354, MONDO:0009413, OMIM 240500.

Submission:

Labcorp Genetics (formerly Invitae), Labcorp
Classification: Uncertain significance for Immunodeficiency, common variable, 2. Last evaluated: 2022-05-28. Review status: criteria provided, single submitter. Criteria: Invitae Variant Classification Sherloc (09022015). Collection method: clinical testing. Allele origin: germline.
Comment: In summary, the available evidence is currently insufficient to determine the role of this variant in disease. Therefore, it has been classified as a Variant of Uncertain Significance. Algorithms developed to predict the effect of missense changes on protein structure and function output the following: SIFT: "Tolerated"; PolyPhen-2: "Possibly Damaging"; Align-GVGD: "Class C0". The arginine amino acid residue is found in multiple mammalian species, which suggests that this missense change does not adversely affect protein function. This variant has not been reported in the literature in individuals affected with TNFRSF13B-related conditions. This variant is not present in population databases (gnomAD no frequency). This sequence change replaces glycine, which is neutral and non-polar, with arginine, which is basic and polar, at codon 289 of the TNFRSF13B protein (p.Gly289Arg).

NM_012452.3(TNFRSF13B):c.865G>A (p.Gly289Arg)

Gene: TNFRSF13B (TNF receptor superfamily member 13B; minus strand). Cytogenetic location: 17p11.2.
Variant type: single nucleotide variant.
Coding change: c.865G>A on transcript NM_012452.3 (MANE Select); coding-DNA position 865, G replaced by A.
Protein change: p.Gly289Arg; replaces glycine 289 with arginine.
Molecular consequence: missense variant.
Genome position (GRCh38, 1-based): chr17:16,939,564, C>T on the plus strand (G>A on the coding strand, the complement: TNFRSF13B is on the minus strand). VCF-style: chr17-16939564-C-T. GRCh37 (hg19) VCF-style: chr17-16842878-C-T.
Other names: short protein forms G289R.
Identifiers: ClinVar variation 1999986 (VCV001999986.4), dbSNP rs1205178707, ClinGen allele CA398518861.
Genomic context (GRCh38, chr17:16,939,564, plus strand): 5'-CTCTCCATCTCTCTCCCTCCTCCTTTCCCTCCCTGACCCCCATTTATGCACCTGGGCCCC[C>T]CTCCTGGGCAGGCACACACACAATGCCAAGGCCACTGTCTGGGATGTGTGGGCAAGGCTG-3'
Protein context (NP_036584.1, residues 279-293): LGIVCVPAQE[Gly289Arg]GPGA